The following is an entry in ClinVar:

NM_030957.4(ADAMTS10):c.37G>A (p.Ala13Thr)

Gene: ADAMTS10 (ADAM metallopeptidase with thrombospondin type 1 motif 10; minus strand). Cytogenetic location: 19p13.2.
Variant type: single nucleotide variant.
Coding change: c.37G>A on transcript NM_030957.4 (MANE Select); coding-DNA position 37, G replaced by A.
Protein change: p.Ala13Thr; replaces alanine 13 with threonine.
Molecular consequence: missense variant.
Genome position (GRCh38, 1-based): chr19:8,605,674, C>T on the plus strand (G>A on the coding strand, the complement: ADAMTS10 is on the minus strand). VCF-style: chr19-8605674-C-T. GRCh37 (hg19) VCF-style: chr19-8670559-C-T.
Other names: c.37G>A (NM_030957.2); short protein forms A13T.
Identifiers: ClinVar variation 1448224 (VCV001448224.6), dbSNP rs528015389, ClinGen allele CA9160965.

ClinVar aggregate classification (germline): Uncertain significance. Review status: criteria provided, multiple submitters, no conflicts (2 of 4 stars). 2 submissions from 2 submitters: Uncertain significance (2). Last evaluated 2025-03-26.

Conditions:
Inborn genetic diseases. Identifiers: MedGen C0950123, MeSH D030342.

Allele frequency attached by ClinVar (database versions not stated): ExAC 0.00002; gnomAD 0.00001; 1000 Genomes Project 0.00020; gnomAD exomes 0.00001; 1000 Genomes Project 30x 0.00016; TOPMed below 0.00001.
gnomAD v4.1: 12 of 1,613,174 alleles (0.00074%); highest among the groups gnomAD compares: East Asian, 0.0022%; no homozygotes.

Submissions (2):

Ambry Genetics
Classification: Uncertain significance for Inborn genetic diseases. Last evaluated: 2025-03-26. Review status: criteria provided, single submitter. Criteria: Ambry Variant Classification Scheme 2023. Collection method: clinical testing. Allele origin: germline.

Labcorp Genetics (formerly Invitae), Labcorp
Classification: Uncertain significance. Last evaluated: 2021-09-17. Review status: criteria provided, single submitter. Criteria: Invitae Variant Classification Sherloc (09022015). Collection method: clinical testing. Allele origin: germline.
Comment: This sequence change replaces alanine with threonine at codon 13 of the ADAMTS10 protein (p.Ala13Thr). The alanine residue is moderately conserved and there is a small physicochemical difference between alanine and threonine. This variant is present in population databases (rs528015389, ExAC 0.007%). This variant has not been reported in the literature in individuals with ADAMTS10-related conditions. Algorithms developed to predict the effect of missense changes on protein structure and function output the following: SIFT: "Tolerated"; PolyPhen-2: "Benign"; Align-GVGD: "Class C0". The threonine amino acid residue is found in multiple mammalian species, suggesting that this missense change does not adversely affect protein function. These predictions have not been confirmed by published functional studies and their clinical significance is uncertain. In summary, the available evidence is currently insufficient to determine the role of this variant in disease. Therefore, it has been classified as a Variant of Uncertain Significance.